The following is an entry in ClinVar:

ClinVar aggregate classification (germline): Uncertain significance. Review status: criteria provided, multiple submitters, no conflicts (2 of 4 stars). 4 submissions from 4 submitters: Uncertain significance (4). Last evaluated 2026-01-21.

Conditions:
Inborn genetic diseases. Identifiers: MedGen C0950123, MeSH D030342.

Allele frequency attached by ClinVar (database versions not stated): ExAC 0.00001; gnomAD 0.00001; TOPMed 0.00001.

Submissions (4):

Labcorp Genetics (formerly Invitae), Labcorp
Classification: Uncertain significance. Last evaluated: 2026-01-21. Review status: criteria provided, single submitter. Criteria: Invitae Variant Classification Sherloc (09022015). Collection method: clinical testing. Allele origin: germline.
Comment: This sequence change replaces alanine, which is neutral and non-polar, with threonine, which is neutral and polar, at codon 94 of the YARS2 protein (p.Ala94Thr). This variant is present in population databases (rs536430755, gnomAD 0.003%). This variant has not been reported in the literature in individuals affected with YARS2-related conditions. ClinVar contains an entry for this variant (Variation ID: 393278). An algorithm developed to predict the effect of missense changes on protein structure and function outputs the following: PolyPhen-2: "Benign". The threonine amino acid residue is found in multiple mammalian species, which suggests that this missense change does not adversely affect protein function. Algorithms developed to predict the effect of sequence changes on RNA splicing suggest that this variant may create or strengthen a splice site. In summary, the available evidence is currently insufficient to determine the role of this variant in disease. Therefore, it has been classified as a Variant of Uncertain Significance.

CeGaT Center for Human Genetics Tuebingen
Classification: Uncertain significance. Last evaluated: 2025-02-01. Review status: criteria provided, single submitter. Criteria: CeGaT Center For Human Genetics Tuebingen Variant Classification Criteria Version 2. Collection method: clinical testing. Allele origin: germline. Affected: yes. Observed: 1 variant allele.
Comment: YARS2: PM2, BP4

Ambry Genetics
Classification: Uncertain significance for Inborn genetic diseases. Last evaluated: 2025-01-07. Review status: criteria provided, single submitter. Criteria: Ambry Variant Classification Scheme 2023. Collection method: clinical testing. Allele origin: germline.

GeneDx
Classification: Uncertain significance. Last evaluated: 2018-01-26. Review status: criteria provided, single submitter. Criteria: GeneDx Variant Classification (06012015). Collection method: clinical testing. Allele origin: germline. Affected: yes.
Comment: The A94T variant in the YARS2 gene has not been reported previously as a pathogenic variant, nor as a benign variant, to our knowledge. The A94T variant is not observed at a significant frequency in large population cohorts (Lek et al., 2016). The A94T variant is a non-conservative amino acid substitution, which is likely to impact secondary protein structure as these residues differ in polarity, charge, size and/or other properties. In-silico analyses, including protein predictors and evolutionary conservation, support that this variant does not alter protein structure/function. We interpret A94T as a variant of uncertain significance.

NM_001040436.3(YARS2):c.280G>A (p.Ala94Thr)

Gene: YARS2 (tyrosyl-tRNA synthetase 2; minus strand). Cytogenetic location: 12p11.21.
Variant type: single nucleotide variant.
Coding change: c.280G>A on transcript NM_001040436.3 (MANE Select); coding-DNA position 280, G replaced by A.
Protein change: p.Ala94Thr; replaces alanine 94 with threonine.
Molecular consequence: missense variant.
Genome position (GRCh38, 1-based): chr12:32,755,595, C>T on the plus strand (G>A on the coding strand, the complement: YARS2 is on the minus strand). VCF-style: chr12-32755595-C-T. GRCh37 (hg19) VCF-style: chr12-32908529-C-T.
Other names: short protein forms A94T.
Identifiers: ClinVar variation 393278 (VCV000393278.17), dbSNP rs536430755, ClinGen allele CA6508203.